The following is an entry in ClinVar:

ClinVar aggregate classification (germline): Uncertain significance. Review status: criteria provided, multiple submitters, no conflicts (2 of 4 stars). 2 submissions from 2 submitters: Uncertain significance (2). Last evaluated 2025-08-27.

Allele frequency attached by ClinVar (database versions not stated): 1000 Genomes Project 30x 0.00021; TOPMed 0.00008; gnomAD 0.00004; gnomAD exomes 0.00005; 1000 Genomes Project 0.00026; ExAC 0.00006.
gnomAD v4.1: 58 of 1,206,636 alleles (0.0048%); highest among the groups gnomAD compares: East Asian, 0.018%; no homozygotes.

Submissions (2):

Ambry Genetics
Classification: Uncertain significance. Last evaluated: 2025-08-27. Review status: criteria provided, single submitter. Criteria: Ambry Variant Classification Scheme 2023. Collection method: clinical testing. Allele origin: germline.

Labcorp Genetics (formerly Invitae), Labcorp
Classification: Uncertain significance. Last evaluated: 2025-07-06. Review status: criteria provided, single submitter. Criteria: Invitae Variant Classification Sherloc (09022015). Collection method: clinical testing. Allele origin: germline.
Comment: This sequence change replaces arginine, which is basic and polar, with glutamine, which is neutral and polar, at codon 1263 of the COL4A6 protein (p.Arg1263Gln). This variant is present in population databases (rs200629818, gnomAD 0.04%), and has an allele count higher than expected for a pathogenic variant. This variant has not been reported in the literature in individuals affected with COL4A6-related conditions. ClinVar contains an entry for this variant (Variation ID: 2594886). Invitae Evidence Modeling of protein sequence and biophysical properties (such as structural, functional, and spatial information, amino acid conservation, physicochemical variation, residue mobility, and thermodynamic stability) indicates that this missense variant is not expected to disrupt COL4A6 protein function with a negative predictive value of 80%. In summary, the available evidence is currently insufficient to determine the role of this variant in disease. Therefore, it has been classified as a Variant of Uncertain Significance.

NM_033641.4(COL4A6):c.3785G>A (p.Arg1262Gln)

Gene: COL4A6 (collagen type IV alpha 6 chain; minus strand). Cytogenetic location: Xq22.3.
Variant type: single nucleotide variant.
Coding change: c.3785G>A on transcript NM_033641.4 (MANE Select); coding-DNA position 3785, G replaced by A.
Protein change: p.Arg1262Gln; replaces arginine 1262 with glutamine.
Molecular consequence: missense variant.
Genome position (GRCh38, 1-based): chrX:108,165,393, C>T on the plus strand (G>A on the coding strand, the complement: COL4A6 is on the minus strand). VCF-style: chrX-108165393-C-T. GRCh37 (hg19) VCF-style: chrX-107408623-C-T.
Other names: c.3836G>A, p.Arg1279Gln (NM_001287758.2); c.3713G>A, p.Arg1238Gln (NM_001287759.2, NM_001287760.2); c.3788G>A, p.Arg1263Gln (NM_001847.4); short protein forms R1263Q, R1279Q, R1238Q, R1262Q.
Identifiers: ClinVar variation 2594886 (VCV002594886.6), dbSNP rs200629818, ClinGen allele CA10487341.